The following is an entry in ClinVar:

ClinVar aggregate classification (germline): Uncertain significance (1 of 4 stars; one submission).

Conditions:
Mitochondrial complex II deficiency, nuclear type 1. Also called: SUCCINATE CoQ REDUCTASE DEFICIENCY. Identifiers: Orphanet 3208, MedGen C5700310, MONDO:0100294, OMIM 252011.
Pheochromocytoma/paraganglioma syndrome 5. Also called: Paragangliomas 5; SDHA-Related Hereditary Paraganglioma-Pheochromocytoma Syndrome. Identifiers: Orphanet 29072, MedGen C3279992, MONDO:0013602, OMIM 614165.

Submission:

Labcorp Genetics (formerly Invitae), Labcorp
Classification: Uncertain significance for Pheochromocytoma/paraganglioma syndrome 5; Mitochondrial complex II deficiency, nuclear type 1. Last evaluated: 2024-05-08. Review status: criteria provided, single submitter. Criteria: Invitae Variant Classification Sherloc (09022015). Collection method: clinical testing. Allele origin: germline.
Comment: This sequence change replaces histidine, which is basic and polar, with proline, which is neutral and non-polar, at codon 447 of the SDHA protein (p.His447Pro). This variant is not present in population databases (gnomAD no frequency). This variant has not been reported in the literature in individuals affected with SDHA-related conditions. ClinVar contains an entry for this variant (Variation ID: 1045699). Advanced modeling of protein sequence and biophysical properties (such as structural, functional, and spatial information, amino acid conservation, physicochemical variation, residue mobility, and thermodynamic stability) has been performed at Invitae for this missense variant, however the output from this modeling did not meet the statistical confidence thresholds required to predict the impact of this variant on SDHA protein function. In summary, the available evidence is currently insufficient to determine the role of this variant in disease. Therefore, it has been classified as a Variant of Uncertain Significance.

NM_004168.4(SDHA):c.1340A>C (p.His447Pro)

Gene: SDHA (succinate dehydrogenase complex flavoprotein subunit A; plus strand). Cytogenetic location: 5p15.33.
Variant type: single nucleotide variant.
Coding change: c.1340A>C on transcript NM_004168.4 (MANE Select); coding-DNA position 1340, A replaced by C.
Protein change: p.His447Pro; replaces histidine 447 with proline.
Molecular consequence: missense variant.
Genome position (GRCh38, 1-based): chr5:236,507, A>C. VCF-style: chr5-236507-A-C. GRCh37 (hg19) VCF-style: chr5-236622-A-C.
Other names: c.1196A>C, p.His399Pro (NM_001294332.2); c.1340A>C, p.His447Pro (NM_001330758.2); short protein forms H447P, H399P.
Identifiers: ClinVar variation 1045699 (VCV001045699.9), dbSNP rs779151375, ClinGen allele CA359013962.